The following is an entry in ClinVar:

NM_020686.6(ABAT):c.604G>T (p.Ala202Ser)

Gene: ABAT (4-aminobutyrate aminotransferase; plus strand). Cytogenetic location: 16p13.2.
Variant type: single nucleotide variant.
Coding change: c.604G>T on transcript NM_020686.6 (MANE Select); coding-DNA position 604, G replaced by T.
Protein change: p.Ala202Ser; replaces alanine 202 with serine.
Molecular consequence: missense variant.
Genome position (GRCh38, 1-based): chr16:8,768,193, G>T. VCF-style: chr16-8768193-G-T. GRCh37 (hg19) VCF-style: chr16-8862050-G-T.
Other names: c.604G>T, p.Ala202Ser (NM_000663.5, NM_001127448.2, NM_001386600.1 and 7 more transcripts); c.541G>T, p.Ala181Ser (NM_001386606.1, NM_001386607.1); c.511G>T, p.Ala171Ser (NM_001386608.1); c.469G>T, p.Ala157Ser (NM_001386610.1, NM_001386611.1); c.406G>T, p.Ala136Ser (NM_001386612.1, NM_001386613.1); c.358G>T, p.Ala120Ser (NM_001386614.1); c.700G>T, p.Ala234Ser (NM_001386615.1); short protein forms A202S, A120S, A136S, A157S, A171S, A181S, A234S.
Identifiers: ClinVar variation 1008610 (VCV001008610.9), dbSNP rs756890572, ClinGen allele CA394688706.

ClinVar aggregate classification (germline): Uncertain significance (1 of 4 stars; one submission).

Conditions:
Gamma-aminobutyric acid transaminase deficiency (GABATD). Also called: GABA transaminase deficiency; Gamma aminobutyrate transaminase deficiency; 4 alpha aminobutyrate transaminase deficiency; GABA aminotransaminase deficiency. Identifiers: Orphanet 2066, MedGen C0342708, MONDO:0013166, OMIM 613163.

Allele frequency attached by ClinVar (database versions not stated): TOPMed below 0.00001.
gnomAD v4.1: 1 of 1,613,888 alleles (0.000062%); highest among the groups gnomAD compares: Admixed American, 0.0017%; no homozygotes.

Submission:

Labcorp Genetics (formerly Invitae), Labcorp
Classification: Uncertain significance for Gamma-aminobutyric acid transaminase deficiency. Last evaluated: 2022-01-13. Review status: criteria provided, single submitter. Criteria: Invitae Variant Classification Sherloc (09022015). Collection method: clinical testing. Allele origin: germline.
Comment: In summary, the available evidence is currently insufficient to determine the role of this variant in disease. Therefore, it has been classified as a Variant of Uncertain Significance. Algorithms developed to predict the effect of sequence changes on RNA splicing suggest that this variant may disrupt the consensus splice site. Algorithms developed to predict the effect of missense changes on protein structure and function output the following: SIFT: "Tolerated"; PolyPhen-2: "Benign"; Align-GVGD: "Class C0". The serine amino acid residue is found in multiple mammalian species, which suggests that this missense change does not adversely affect protein function. ClinVar contains an entry for this variant (Variation ID: 1008610). This variant has not been reported in the literature in individuals affected with ABAT-related conditions. This variant is not present in population databases (gnomAD no frequency). This sequence change replaces alanine, which is neutral and non-polar, with serine, which is neutral and polar, at codon 202 of the ABAT protein (p.Ala202Ser).